The following is an entry in ClinVar:

ClinVar aggregate classification (germline): Likely benign. Review status: criteria provided, multiple submitters, no conflicts (2 of 4 stars). 3 submissions from 3 submitters: Likely benign (3). Last evaluated 2025-12-04.

Conditions:
Pitt-Hopkins-like syndrome 2 (PTHSL2). Identifiers: Orphanet 221150, Orphanet 600663, MedGen C3280479, MONDO:0013690, OMIM 614325.

Allele frequency attached by ClinVar (database versions not stated): gnomAD 0.00001; gnomAD exomes 0.00001 and 0.00003; ExAC 0.00002; TOPMed 0.00002.
gnomAD v4.1: 19 of 1,571,770 alleles (0.0012%); highest among the groups gnomAD compares: South Asian, 0.0057%; no homozygotes.

Submissions (3):

Mayo Clinic Laboratories, Mayo Clinic
Classification: Likely benign. Last evaluated: 2025-12-04. Review status: criteria provided, single submitter. Criteria: ACMG Guidelines, 2015. Collection method: clinical testing. Allele origin: germline. Observed: 1 variant allele.
Comment: BP4, BP7

Labcorp Genetics (formerly Invitae), Labcorp
Classification: Likely benign for Pitt-Hopkins-like syndrome 2. Last evaluated: 2025-08-29. Review status: criteria provided, single submitter. Criteria: Invitae Variant Classification Sherloc (09022015). Collection method: clinical testing. Allele origin: germline.

GeneDx
Classification: Likely benign. Last evaluated: 2021-02-11. Review status: criteria provided, single submitter. Criteria: GeneDx Variant Classification Process June 2021. Collection method: clinical testing. Allele origin: germline. Affected: yes.

NM_001330078.2(NRXN1):c.153G>A (p.Glu51=)

Gene: NRXN1 (neurexin 1; minus strand). Cytogenetic location: 2p16.3.
Variant type: single nucleotide variant.
Coding change: c.153G>A on transcript NM_001330078.2 (MANE Select); coding-DNA position 153, G replaced by A.
Protein change: p.Glu51=; no amino-acid change (glutamic acid 51 retained).
Molecular consequence: synonymous variant.
Genome position (GRCh38, 1-based): chr2:51,028,121, C>T on the plus strand (G>A on the coding strand, the complement: NRXN1 is on the minus strand). VCF-style: chr2-51028121-C-T. GRCh37 (hg19) VCF-style: chr2-51255259-C-T.
Other names: p.Glu51=; c.153G>A (NM_001135659.2); c.153G>A, p.Glu51= (NM_001135659.3, NM_001330077.2, NM_001330079.2 and 15 more transcripts).
Identifiers: ClinVar variation 1150033 (VCV001150033.11), dbSNP rs760340224, ClinGen allele CA1655555.